The following is an entry in ClinVar:

ClinVar aggregate classification (germline): Likely pathogenic. Review status: criteria provided, multiple submitters, no conflicts (2 of 4 stars). 2 submissions from 2 submitters: Likely pathogenic (2). Last evaluated 2023-05-11.

Conditions:
Glycogen storage disease, type II (IOPD). Also called: CARDIOMEGALIA GLYCOGENICA DIFFUSA; GLYCOGENOSIS, GENERALIZED, CARDIAC FORM; GSD II; Glucosidase acid-1,4-alpha deficiency; Pompe Disease; Glycogen storage disease type 2. Identifiers: Orphanet 365, MedGen C0017921, MONDO:0009290, OMIM 232300.

Submissions (2):

Labcorp Genetics (formerly Invitae), Labcorp
Classification: Likely pathogenic for Glycogen storage disease, type II. Last evaluated: 2023-05-11. Review status: criteria provided, single submitter. Criteria: Invitae Variant Classification Sherloc (09022015). Collection method: clinical testing. Allele origin: germline.
Comment: This sequence change affects a donor splice site in intron 11 of the GAA gene. It is expected to disrupt RNA splicing. Variants that disrupt the donor or acceptor splice site typically lead to a loss of protein function (PMID: 16199547), and loss-of-function variants in GAA are known to be pathogenic (PMID: 18425781, 22252923). This variant is not present in population databases (gnomAD no frequency). Disruption of this splice site has been observed in individual(s) with Pompe disease (PMID: 18425781). Algorithms developed to predict the effect of sequence changes on RNA splicing suggest that this variant may disrupt the consensus splice site. In summary, the currently available evidence indicates that the variant is pathogenic, but additional data are needed to prove that conclusively. Therefore, this variant has been classified as Likely Pathogenic.

Baylor Genetics
Classification: Likely pathogenic for Glycogen storage disease, type II. Last evaluated: 2022-12-01. Review status: criteria provided, single submitter. Criteria: ACMG Guidelines, 2015. Collection method: clinical testing. Allele origin: unknown.

Literature cited by the submitters: PubMed 16199547 (cited by Labcorp Genetics (formerly Invitae), Labcorp); PubMed 18425781 (cited by Labcorp Genetics (formerly Invitae), Labcorp); PubMed 22252923 (cited by Labcorp Genetics (formerly Invitae), Labcorp).

NM_000152.5(GAA):c.1636+1G>A

Gene: GAA (alpha glucosidase; plus strand). Cytogenetic location: 17q25.3.
Variant type: single nucleotide variant.
Coding change: c.1636+1G>A on transcript NM_000152.5 (MANE Select); the canonical splice donor site of the intron after coding-DNA position 1636, G replaced by A.
Molecular consequence: splice donor variant.
Genome position (GRCh38, 1-based): chr17:80,111,026, G>A. VCF-style: chr17-80111026-G-A. GRCh37 (hg19) VCF-style: chr17-78084825-G-A.
Other names: c.1636+1G>A (NM_001406741.1, NM_001406742.1, NM_001079803.3 and 1 more transcripts).
Identifiers: ClinVar variation 2675783 (VCV002675783.4), dbSNP rs2143875243, ClinGen allele CA401367396.